The following is an entry in ClinVar:

ClinVar aggregate classification (germline): Uncertain significance. Review status: criteria provided, single submitter (1 of 4 stars). 2 submissions from 1 submitter: Uncertain significance (2).

Conditions:
Maturity-onset diabetes of the young (MODY). Also called: Maturity onset diabetes mellitus in young. Identifiers: Orphanet 552, MedGen C0342276, MONDO:0018911, HP:0004904.
Transitory neonatal diabetes mellitus. Also called: Transient neonatal diabetes mellitus. Identifiers: MedGen C0342273, MONDO:0020525, HP:0008255.

Allele frequency attached by ClinVar (database versions not stated): TOPMed below 0.00001.
gnomAD v4.1: 1 of 1,611,590 alleles (0.000062%); highest among the groups gnomAD compares: African/African-American, 0.0013%; no homozygotes.

Submissions (2):

Clinical Genomics, Uppaluri K&H Personalized Medicine Clinic
Classification: Uncertain significance for Transitory neonatal diabetes mellitus. Review status: criteria provided, single submitter. Criteria: K & H Uppaluri Personalized Medicine Clinic Variant Classification & Assertion Criteria_Updated V.1. Collection method: research. Allele origin: somatic. Inheritance: Somatic mutation.
Comment: Mutations in ABCC8 gene are associated with both neonatal diabetes mellitus as well as MODY. Patients with this mutation may have a better response to sulfonylureas. However, no sufficient evidence is found to ascertain the role of this particular variant ( rs561593131) in neonatal diabetes yet.

Clinical Genomics, Uppaluri K&H Personalized Medicine Clinic
Classification: Uncertain significance for Maturity-onset diabetes of the young. Review status: criteria provided, single submitter. Criteria: K & H Uppaluri Personalized Medicine Clinic Variant Classification & Assertion Criteria_Updated V.1. Collection method: research. Allele origin: somatic. Inheritance: Somatic mutation.
Comment: Mutations in ABCC8 gene are associated with both neonatal diabetes mellitus as well as MODY. Patients with this mutation may have a better response to sulfonylureas. However, no sufficient evidence is found to ascertain the role of this particular variant ( rs561593131) in MODY yet.

Literature cited by the submitters: PubMed 16885549; PubMed 21989597; PubMed 27538677; PubMed 18981553; PubMed 32027066; PubMed 16613899; PubMed 18025408; PubMed 32792356.

NM_000352.6(ABCC8):c.2539G>C (p.Ala847Pro)

Gene: ABCC8 (ATP binding cassette subfamily C member 8; minus strand). Cytogenetic location: 11p15.1.
Variant type: single nucleotide variant.
Coding change: c.2539G>C on transcript NM_000352.6 (MANE Select); coding-DNA position 2539, G replaced by C.
Protein change: p.Ala847Pro; replaces alanine 847 with proline.
Molecular consequence: missense variant. On other transcripts: non-coding transcript variant (1).
Genome position (GRCh38, 1-based): chr11:17,412,683, C>G on the plus strand (G>C on the coding strand, the complement: ABCC8 is on the minus strand). VCF-style: chr11-17412683-C-G. GRCh37 (hg19) VCF-style: chr11-17434230-C-G.
Other names: c.2542G>C, p.Ala848Pro (NM_001287174.3); c.2605G>C, p.Ala869Pro (NM_001351295.2); c.2539G>C, p.Ala847Pro (NM_001351296.2); c.2536G>C, p.Ala846Pro (NM_001351297.2); short protein forms A846P, A847P, A848P, A869P.
Identifiers: ClinVar variation 1684533 (VCV001684533.1), dbSNP rs561593131, ClinGen allele CA379807392.
Genomic context (GRCh38, chr11:17,412,683, plus strand): 5'-GGAGGCAGCCAGAGACCAGGACCCCAAGGGAACTTGCACTCACCAAGAAGACAACGTTGG[C>G]GTGCTGGTAGAGGGCTCGGGCCACACTGATTCGCTGGCGTTGACCACCAGACAGGTTGAT-3'
Protein context (NP_000343.2, residues 837-857): ISVARALYQH[Ala847Pro]NVVFLDDPFS